The following is an entry in ClinVar:

NM_001080414.4(CCDC88C):c.5066C>G (p.Pro1689Arg)

Gene: CCDC88C (coiled-coil and HOOK domain protein 88C; minus strand). Cytogenetic location: 14q32.11.
Variant type: single nucleotide variant.
Coding change: c.5066C>G on transcript NM_001080414.4 (MANE Select); coding-DNA position 5066, C replaced by G.
Protein change: p.Pro1689Arg; replaces proline 1689 with arginine.
Molecular consequence: missense variant.
Genome position (GRCh38, 1-based): chr14:91,273,646, G>C on the plus strand (C>G on the coding strand, the complement: CCDC88C is on the minus strand). VCF-style: chr14-91273646-G-C. GRCh37 (hg19) VCF-style: chr14-91739990-G-C.
Other names: short protein forms P1689R.
Identifiers: ClinVar variation 2365740 (VCV002365740.4), dbSNP rs200602954, ClinGen allele CA7308743.
Genomic context (GRCh38, chr14:91,273,646, plus strand): 5'-ATGGCTGGGGGATCGCTGGCCTTTCGGAAGTAGTCACTCAGCAGGTCATCCCGGCAACTG[G>C]GAGTGTCCTACGGAGAAGAGAGTGAAGGTTGGAGGTGGGCATGAGGGTTGGGTGGGTCCT-3'
Protein context (NP_001073883.2, residues 1679-1699): SNRSSPTHDT[Pro1689Arg]SCRDDLLSDY

ClinVar aggregate classification (germline): Uncertain significance. Review status: criteria provided, multiple submitters, no conflicts (2 of 4 stars). 2 submissions from 2 submitters: Uncertain significance (2). Last evaluated 2025-08-18.

Conditions:
Inborn genetic diseases. Identifiers: MedGen C0950123, MeSH D030342.

Allele frequency attached by ClinVar (database versions not stated): gnomAD exomes 0.00001; ExAC 0.00002.
gnomAD v4.1: 13 of 1,481,312 alleles (0.00088%); highest among the groups gnomAD compares: African/African-American, 0.011%; 1 homozygote.

Submissions (2):

GeneDx
Classification: Uncertain significance. Last evaluated: 2025-08-18. Review status: criteria provided, single submitter. Criteria: GeneDx Variant Classification Process June 2021. Collection method: clinical testing. Allele origin: germline.
Comment: Not observed at significant frequency in large population cohorts (gnomAD); In silico analysis supports that this missense variant has a deleterious effect on protein structure/function; Has not been previously published as pathogenic or benign to our knowledge

Ambry Genetics
Classification: Uncertain significance for Inborn genetic diseases. Last evaluated: 2022-04-06. Review status: criteria provided, single submitter. Criteria: Ambry Variant Classification Scheme 2023. Collection method: clinical testing. Allele origin: germline.